The following is an entry in ClinVar:

ClinVar aggregate classification (germline): Uncertain significance (1 of 4 stars; one submission).

Conditions:
Epidermolysis bullosa simplex 5B, with muscular dystrophy (EBS5B). Also called: EPIDERMOLYSIS BULLOSA SIMPLEX AND LIMB-GIRDLE MUSCULAR DYSTROPHY; Epidermolysis bullosa simplex with muscular dystrophy. Identifiers: Orphanet 257, MedGen C2931072, MONDO:0009181, OMIM 226670.
Epidermolysis bullosa simplex 5C, with pyloric atresia (EBS5C). Also called: PLEC1-Related Epidermolysis Bullosa with Pyloric Atresia; PLEC-Related Epidermolysis Bullosa with Pyloric Atresia; Epidermolysis bullosa simplex with pyloric atresia. Identifiers: Orphanet 158684, MedGen C2677349, MONDO:0012807, OMIM 612138.
Epidermolysis bullosa simplex, Ogna type (EBS5A). Also called: Pidermolysis bullosa simplex 5A, Ogna type; EPIDERMOLYSIS BULLOSA SIMPLEX 5A, OGNA TYPE. Identifiers: Orphanet 79401, MedGen C0432317, MONDO:0007555, OMIM 131950.
Autosomal recessive limb-girdle muscular dystrophy type 2Q (LGMDR17). Also called: MUSCULAR DYSTROPHY, LIMB-GIRDLE, AUTOSOMAL RECESSIVE 17. Identifiers: Orphanet 254361, MedGen C3150989, MONDO:0013390, OMIM 613723.
Epidermolysis bullosa simplex with nail dystrophy (EBS5D). Identifiers: MedGen C4225309, MONDO:0014661, OMIM 616487.

Allele frequency attached by ClinVar (database versions not stated): gnomAD exomes below 0.00001.
gnomAD v4.1: 8 of 1,613,134 alleles (0.0005%); highest among the groups gnomAD compares: Non-Finnish European, 0.00059%; no homozygotes.

Submission:

Labcorp Genetics (formerly Invitae), Labcorp
Classification: Uncertain significance for Autosomal recessive limb-girdle muscular dystrophy type 2Q; Epidermolysis bullosa simplex, Ogna type; Epidermolysis bullosa simplex with nail dystrophy; Epidermolysis bullosa simplex 5C, with pyloric atresia; Epidermolysis bullosa simplex 5B, with muscular dystrophy. Last evaluated: 2025-11-03. Review status: criteria provided, single submitter. Criteria: Invitae Variant Classification Sherloc (09022015). Collection method: clinical testing. Allele origin: germline.
Comment: This sequence change replaces arginine, which is basic and polar, with serine, which is neutral and polar, at codon 365 of the PLEC protein (p.Arg365Ser). This variant is present in population databases (no rsID available, gnomAD 0.0009%). This variant has not been reported in the literature in individuals affected with PLEC-related conditions. ClinVar contains an entry for this variant (Variation ID: 1486845). Experimental studies and prediction algorithms are not available or were not evaluated, and the functional significance of this variant is currently unknown. In summary, the available evidence is currently insufficient to determine the role of this variant in disease. Therefore, it has been classified as a Variant of Uncertain Significance.

NM_201384.3(PLEC):c.1014G>T (p.Arg338Ser)

Gene: PLEC (plectin; minus strand). Cytogenetic location: 8q24.3.
Variant type: single nucleotide variant.
Coding change: c.1014G>T on transcript NM_201384.3 (MANE Select); coding-DNA position 1014, G replaced by T.
Protein change: p.Arg338Ser; replaces arginine 338 with serine.
Molecular consequence: missense variant.
Genome position (GRCh38, 1-based): chr8:143,934,662, C>A on the plus strand (G>T on the coding strand, the complement: PLEC is on the minus strand). VCF-style: chr8-143934662-C-A. GRCh37 (hg19) VCF-style: chr8-145008830-C-A.
Other names: c.1095G>T, p.Arg365Ser (NM_000445.5); c.972G>T, p.Arg324Ser (NM_201378.4); c.948G>T, p.Arg316Ser (NM_201379.3); c.1425G>T, p.Arg475Ser (NM_201380.4); c.918G>T, p.Arg306Ser (NM_201381.3); c.1014G>T, p.Arg338Ser (NM_201382.4); c.1026G>T, p.Arg342Ser (NM_201383.3); short protein forms R475S, R306S, R316S, R338S, R342S, R324S, R365S.
Identifiers: ClinVar variation 1486845 (VCV001486845.8), dbSNP rs1463116442, ClinGen allele CA372585377.
Genomic context (GRCh38, chr8:143,934,662, plus strand): 5'-GACACCACCCACCCCTCCAGCGGTCCCACTCACCTCCAGGGATTGGTAGATGCCCTTGGA[C>A]CTGTTCTTGTCGGCCTCCTTGGCTGGTAGCTCCATCTCCTTAAACTTCAGGAACTGAGAC-3'
Protein context (NP_958786.1, residues 328-348): ELPAKEADKN[Arg338Ser]SKGIYQSLEG